The following is an entry in ClinVar:

ClinVar aggregate classification (germline): Benign/Likely benign. Review status: criteria provided, multiple submitters, no conflicts (2 of 4 stars). 3 submissions from 3 submitters: Benign (1); Likely benign (2). Last evaluated 2026-01-22.

Allele frequency attached by ClinVar (database versions not stated): gnomAD 0.00036 and 0.00039; TOPMed 0.00043; gnomAD exomes 0.00045; ExAC 0.00047; ESP Exome Variant Server 0.00115; 1000 Genomes Project 0.00020; 1000 Genomes Project 30x 0.00031.
gnomAD v4.1: 1,138 of 1,614,118 alleles (0.071%); highest among the groups gnomAD compares: Non-Finnish European, 0.089%; 3 homozygotes.

Submissions (3):

Labcorp Genetics (formerly Invitae), Labcorp
Classification: Benign. Last evaluated: 2026-01-22. Review status: criteria provided, single submitter. Criteria: Invitae Variant Classification Sherloc (09022015). Collection method: clinical testing. Allele origin: germline.

Blueprint Genetics
Classification: Likely benign. Last evaluated: 2024-10-31. Review status: criteria provided, single submitter. Criteria: ACMG Guidelines, 2015. Collection method: clinical testing. Allele origin: germline.

CeGaT Center for Human Genetics Tuebingen
Classification: Likely benign. Last evaluated: 2022-06-01. Review status: criteria provided, single submitter. Criteria: CeGaT Center For Human Genetics Tuebingen Variant Classification Criteria Version 2. Collection method: clinical testing. Allele origin: germline. Affected: yes. Observed: 1 variant allele.
Comment: IARS1: BP4, BP7

NM_002161.6(IARS1):c.2823C>T (p.His941=)

Gene: IARS1 (isoleucyl-tRNA synthetase 1; minus strand). Cytogenetic location: 9q22.31.
Variant type: single nucleotide variant.
Coding change: c.2823C>T on transcript NM_002161.6 (MANE Select); coding-DNA position 2823, C replaced by T.
Protein change: p.His941=; no amino-acid change (histidine 941 retained).
Molecular consequence: synonymous variant. On other transcripts: non-coding transcript variant (1).
Genome position (GRCh38, 1-based): chr9:92,245,040, G>A on the plus strand (C>T on the coding strand, the complement: IARS1 is on the minus strand). VCF-style: chr9-92245040-G-A. GRCh37 (hg19) VCF-style: chr9-95007322-G-A.
Other names: c.2748C>T, p.His916= (NM_001374299.1, NM_001374300.1); c.2739C>T, p.His913= (NM_001374301.1); c.2823C>T, p.His941= (NM_013417.4).
Identifiers: ClinVar variation 719347 (VCV000719347.32), dbSNP rs137864896, ClinGen allele CA5122085.